The following is an entry in ClinVar:

ClinVar aggregate classification (germline): Uncertain significance. Review status: criteria provided, multiple submitters, no conflicts (2 of 4 stars). 8 submissions from 8 submitters: Uncertain significance (7). 1 of the submissions does not count toward it. Last evaluated 2025-11-10.

Conditions:
Marfan syndrome (MFS). Also called: MARFAN SYNDROME, TYPE I; FBN1-Related Marfan Syndrome; Marfan syndrome type 1; Marfan's syndrome; Marfan syndrome, classic. Identifiers: Orphanet 284963, Orphanet 558, MedGen C0024796, MONDO:0007947, OMIM 154700.
Familial thoracic aortic aneurysm and aortic dissection (TAAD). Also called: Thoracic aortic aneurysms and dissections. Identifiers: Orphanet 91387, MedGen C4707243, MONDO:0019625.

gnomAD v4.1: 8 of 1,614,120 alleles (0.0005%); highest among the groups gnomAD compares: East Asian, 0.0022%; no homozygotes.

Submissions (8):

Dasa
Classification: Uncertain significance. Last evaluated: 2025-11-10. Review status: criteria provided, single submitter. Criteria: DASA Assertion Criteria. Collection method: clinical testing. Allele origin: germline.
Comment: NM_000138.5(FBN1):c.2893G>A (p.Glu965Lys) is a missense variant that results in the substitution of glutamic acid with lysine. This variant is rare in population databases. The currently available literature and clinical evidence are not sufficient to establish a definitive association between this variant and the reported condition. Therefore, this variant is classified as a variant of uncertain significance.

Ambry Genetics
Classification: Uncertain significance for Familial thoracic aortic aneurysm and aortic dissection. Last evaluated: 2025-10-09. Review status: criteria provided, single submitter. Criteria: Ambry Variant Classification Scheme 2023. Collection method: clinical testing. Allele origin: germline.
Comment: The p.E965K variant (also known as c.2893G>A), located in coding exon 24 of the FBN1 gene, results from a G to A substitution at nucleotide position 2893. The glutamic acid at codon 965 is replaced by lysine, an amino acid with similar properties. This amino acid position is highly conserved in available vertebrate species. In addition, the in silico prediction for this alteration is inconclusive. Based on the available evidence, the clinical significance of this variant remains unclear.

All of Us Research Program, National Institutes of Health
Classification: Uncertain significance for Marfan syndrome. Last evaluated: 2023-09-17. Review status: criteria provided, single submitter. Criteria: ACMG Guidelines, 2015. Collection method: clinical testing. Allele origin: germline. Inheritance: Autosomal dominant inheritance. Observed: 2 variant alleles, 2 heterozygotes.
Comment: This missense variant replaces glutamic acid with lysine at codon 965 of the FBN1 protein. Computational prediction suggests that this variant may have deleterious impact on protein structure and function (internally defined REVEL score threshold >= 0.7, PMID: 27666373). Splice site prediction tools suggest that this variant may not impact RNA splicing. To our knowledge, functional studies have not been performed for this variant. This variant has not been reported in individuals affected with cardiovascular disorders in the literature. This variant has been identified in 1/251442 chromosomes in the general population by the Genome Aggregation Database (gnomAD). The available evidence is insufficient to determine the role of this variant in disease conclusively. Therefore, this variant is classified as a Variant of Uncertain Significance.

This study involves interpretation of variants in research participants for the purpose of population health screening. Participant phenotype was not available at the time of variant classification. Additional details can be found in publication PMID: 35346344, PMCID: PMC8962531

Color Diagnostics, LLC DBA Color Health
Classification: Uncertain significance for Familial thoracic aortic aneurysm and aortic dissection. Last evaluated: 2023-09-07. Review status: criteria provided, single submitter. Criteria: ACMG Guidelines, 2015. Collection method: clinical testing. Allele origin: germline.
Comment: This missense variant replaces glutamic acid with lysine at codon 965 of the FBN1 protein. Computational prediction suggests that this variant may have deleterious impact on protein structure and function (internally defined REVEL score threshold >= 0.7, PMID: 27666373). To our knowledge, functional studies have not been reported for this variant. This variant has not been reported in individuals affected with FBN1-related disorders in the literature. This variant has been identified in 1/251442 chromosomes in the general population by the Genome Aggregation Database (gnomAD). The available evidence is insufficient to determine the role of this variant in disease conclusively. Therefore, this variant is classified as a Variant of Uncertain Significance.

Labcorp Genetics (formerly Invitae), Labcorp
Classification: Uncertain significance for Marfan syndrome; Familial thoracic aortic aneurysm and aortic dissection. Last evaluated: 2023-04-18. Review status: criteria provided, single submitter. Criteria: Invitae Variant Classification Sherloc (09022015). Collection method: clinical testing. Allele origin: germline.
Comment: Advanced modeling of protein sequence and biophysical properties (such as structural, functional, and spatial information, amino acid conservation, physicochemical variation, residue mobility, and thermodynamic stability) performed at Invitae indicates that this missense variant is expected to disrupt FBN1 protein function. ClinVar contains an entry for this variant (Variation ID: 449603). This variant has not been reported in the literature in individuals affected with FBN1-related conditions. This variant is present in population databases (no rsID available, gnomAD 0.0009%). This sequence change replaces glutamic acid, which is acidic and polar, with lysine, which is basic and polar, at codon 965 of the FBN1 protein (p.Glu965Lys). In summary, the available evidence is currently insufficient to determine the role of this variant in disease. Therefore, it has been classified as a Variant of Uncertain Significance.

GeneDx
Classification: Uncertain significance. Last evaluated: 2022-09-08. Review status: criteria provided, single submitter. Criteria: GeneDx Variant Classification Process June 2021. Collection method: clinical testing. Allele origin: germline. Affected: yes.
Comment: In silico analysis supports that this missense variant does not alter protein structure/function; Has not been previously published as pathogenic or benign to our knowledge

CHEO Genetics Diagnostic Laboratory, Children's Hospital of Eastern Ontario
Classification: Uncertain significance for Familial thoracic aortic aneurysm and aortic dissection. Last evaluated: 2020-12-07. Review status: criteria provided, single submitter. Criteria: ACMG Guidelines, 2015. Collection method: clinical testing. Allele origin: germline.

Clinical Molecular Genetics Laboratory, Johns Hopkins All Children's Hospital
Classification: Likely pathogenic for Marfan syndrome. Last evaluated: 2015-08-26. Review status: no assertion criteria provided. Collection method: clinical testing. Allele origin: germline. Inheritance: Autosomal dominant inheritance. Affected: yes. Observed: 1 heterozygote. Not counted in ClinVar's aggregate classification.

NM_000138.5(FBN1):c.2893G>A (p.Glu965Lys)

Gene: FBN1 (fibrillin 1; minus strand). Cytogenetic location: 15q21.1.
Variant type: single nucleotide variant.
Coding change: c.2893G>A on transcript NM_000138.5 (MANE Select); coding-DNA position 2893, G replaced by A.
Protein change: p.Glu965Lys; replaces glutamic acid 965 with lysine.
Molecular consequence: missense variant.
Genome position (GRCh38, 1-based): chr15:48,490,040, C>T on the plus strand (G>A on the coding strand, the complement: FBN1 is on the minus strand). VCF-style: chr15-48490040-C-T. GRCh37 (hg19) VCF-style: chr15-48782237-C-T.
Other names: short protein forms E965K.
Identifiers: ClinVar variation 449603 (VCV000449603.20), dbSNP rs748905831, ClinGen allele CA392329983.
Genomic context (GRCh38, chr15:48,490,040, plus strand): 5'-CGACGGAGCAGCAGCAGGCGTCCATGCGGTGGCGGCCAGCAATAGGCAGGGTGCACTCCT[C>T]GTCCTCGTACCTCAGGAAGCAGGTTTCCAGGCGGATATCTGTCAGAGGGAATCAAGGGAG-3'
Protein context (NP_000129.3, residues 955-975): LETCFLRYED[Glu965Lys]ECTLPIAGRH